The following is an entry in ClinVar:

ClinVar aggregate classification (germline): Uncertain significance (1 of 4 stars; one submission).

Conditions:
Growth delay due to insulin-like growth factor I resistance. Also called: Somatomedin end-organ insensitivity to; Somatomedin-c resistance to; IGF-1 resistance; IGF-I RESISTANCE; Insulin-Like Growth Factor I Resistance. Identifiers: Orphanet 73273, MedGen C1849157, MONDO:0010038, OMIM 270450.

Allele frequency attached by ClinVar (database versions not stated): ExAC 0.00001.

Submission:

Neuberg Centre For Genomic Medicine, NCGM
Classification: Uncertain significance for Growth delay due to insulin-like growth factor I resistance. Review status: criteria provided, single submitter. Criteria: ACMG Guidelines, 2015. Collection method: clinical testing. Allele origin: germline. Inheritance: Autosomal dominant inheritance. Affected: yes.
Comment: The missense variant p.I362V in IGF1R (NM_000875.5) has not been reported previously as a pathogenic variant nor as a benign variant, to our knowledge. The p.I362V variant is novel (not in any individuals) in gnomAD Exomes and is novel (not in any individuals) in 1000 Genomes. The p.I362V missense variant is predicted to be damaging by both SIFT and PolyPhen2. The isoleucine residue at codon 362 of IGF1R is conserved in all mammalian species. The nucleotide c.1084 in IGF1R is predicted conserved by GERP++ and PhyloP across 100 vertebrates. For these reasons, this variant has been classified as Uncertain Significance

NM_000875.5(IGF1R):c.1084A>G (p.Ile362Val)

Genes: IGF1R (insulin like growth factor 1 receptor; plus strand), LOC126862245 (P300/CBP strongly-dependent group 1 enhancer GRCh37_chr15:99439536-99440735; plus strand). Cytogenetic location: 15q26.3.
Variant type: single nucleotide variant.
Coding change: c.1084A>G on transcript NM_000875.5 (MANE Select); coding-DNA position 1084, A replaced by G.
Protein change: p.Ile362Val; replaces isoleucine 362 with valine.
Molecular consequence: missense variant.
Genome position (GRCh38, 1-based): chr15:98,896,887, A>G. VCF-style: chr15-98896887-A-G. GRCh37 (hg19) VCF-style: chr15-99440116-A-G.
Other names: c.1084A>G, p.Ile362Val (NM_001291858.2); short protein forms I362V.
Identifiers: ClinVar variation 2627447 (VCV002627447.1), dbSNP rs765375219, ClinGen allele CA7751997.